The following is an entry in ClinVar:

ClinVar aggregate classification (germline): Uncertain significance (1 of 4 stars; one submission).

gnomAD v4.1: 80 of 1,614,134 alleles (0.005%); highest among the groups gnomAD compares: South Asian, 0.014%; no homozygotes.

Submission:

Labcorp Genetics (formerly Invitae), Labcorp
Classification: Uncertain significance. Last evaluated: 2025-07-09. Review status: criteria provided, single submitter. Criteria: Invitae Variant Classification Sherloc (09022015). Collection method: clinical testing. Allele origin: germline.
Comment: This sequence change affects codon 569 of the GTPBP2 mRNA. It is a 'silent' change, meaning that it does not change the encoded amino acid sequence of the GTPBP2 protein. This variant is present in population databases (rs191465188, gnomAD 0.01%). This variant has not been reported in the literature in individuals affected with GTPBP2-related conditions. Algorithms developed to predict the effect of sequence changes on RNA splicing suggest that this variant may create or strengthen a splice site. In summary, the available evidence is currently insufficient to determine the role of this variant in disease. Therefore, it has been classified as a Variant of Uncertain Significance.

NM_019096.5(GTPBP2):c.1707C>T (p.Gly569=)

Gene: GTPBP2 (GTP binding protein 2; minus strand). Cytogenetic location: 6p21.1.
Variant type: single nucleotide variant.
Coding change: c.1707C>T on transcript NM_019096.5 (MANE Select); coding-DNA position 1707, C replaced by T.
Protein change: p.Gly569=; no amino-acid change (glycine 569 retained).
Molecular consequence: synonymous variant.
Genome position (GRCh38, 1-based): chr6:43,621,716, G>A on the plus strand (C>T on the coding strand, the complement: GTPBP2 is on the minus strand). VCF-style: chr6-43621716-G-A. GRCh37 (hg19) VCF-style: chr6-43589453-G-A.
Other names: c.1443C>T, p.Gly481= (NM_001286216.2).
Identifiers: ClinVar variation 4811898 (VCV004811898.1).